The following is an entry in ClinVar:

ClinVar aggregate classification (germline): Uncertain significance (1 of 4 stars; one submission).

Conditions:
Inborn genetic diseases. Identifiers: MedGen C0950123, MeSH D030342.

gnomAD v4.1: 1 of 1,613,426 alleles (0.000062%); highest among the groups gnomAD compares: Non-Finnish European, 0.000085%; no homozygotes.

Submission:

Ambry Genetics
Classification: Uncertain significance for Inborn genetic diseases. Last evaluated: 2026-07-19. Review status: criteria provided, single submitter. Criteria: Ambry Variant Classification Scheme 2023. Collection method: clinical testing. Allele origin: germline.
Comment: The p.K288E variant (also known as c.862A>G), located in coding exon 5 of the ETV6 gene, results from an A to G substitution at nucleotide position 862. The lysine at codon 288 is replaced by glutamic acid, an amino acid with similar properties. This amino acid position is conserved. In addition, this alteration is predicted to be tolerated by in silico analysis. Based on the available evidence, the clinical significance of this variant remains unclear.

NM_001987.5(ETV6):c.862A>G (p.Lys288Glu)

Gene: ETV6 (ETS variant transcription factor 6; plus strand). Cytogenetic location: 12p13.2.
Variant type: single nucleotide variant.
Coding change: c.862A>G on transcript NM_001987.5 (MANE Select); coding-DNA position 862, A replaced by G.
Protein change: p.Lys288Glu; replaces lysine 288 with glutamic acid.
Molecular consequence: missense variant.
Genome position (GRCh38, 1-based): chr12:11,869,822, A>G. VCF-style: chr12-11869822-A-G. GRCh37 (hg19) VCF-style: chr12-12022756-A-G.
Other names: c.859A>G, p.Lys287Glu (NM_001413913.1); c.835A>G, p.Lys279Glu (NM_001413914.1); c.598A>G, p.Lys200Glu (NM_001413915.1); c.862A>G, p.Lys288Glu (NM_001413916.1, NM_001413917.1); short protein forms K287E, K279E, K200E, K288E.
Identifiers: ClinVar variation 5036205 (VCV005036205.1).
Genomic context (GRCh38, chr12:11,869,822, plus strand): 5'-CTGATGCCCAGCCCCATCATGCACCCTCTGATCCTGAACCCCCGGCACTCCGTGGATTTC[A>G]AACAGTCCAGGCTCTCCGAGGACGGGCTGCATAGGGAAGGGAAGCCCATCAACCTCTCTC-3'
Protein context (NP_001978.1, residues 278-298): ILNPRHSVDF[Lys288Glu]QSRLSEDGLH